The following is an entry in ClinVar:

ClinVar aggregate classification (germline): Likely pathogenic. Review status: criteria provided, multiple submitters, no conflicts (2 of 4 stars). 2 submissions from 2 submitters: Likely pathogenic (2). Last evaluated 2025-09-19.

Conditions:
Epidermolysis bullosa dystrophica. Also called: Dystrophic epidermolysis bullosa, Hallopeau-Siemens type (formerly); Dystrophic epidermolysis bullosa. Identifiers: Orphanet 303, MedGen C0079294, MONDO:0006543.
Transient bullous dermolysis of the newborn (TBDN). Also called: EPIDERMOLYSIS BULLOSA DYSTROPHICA, NEONATAL FORM; DYSTROPHIC EPIDERMOLYSIS BULLOSA, NEONATAL. Identifiers: Orphanet 79411, MedGen C1851573, MONDO:0007548, OMIM 131705.

Allele frequency attached by ClinVar (database versions not stated): gnomAD exomes below 0.00001.
gnomAD v4.1: 1 of 1,613,418 alleles (0.000062%); highest among the groups gnomAD compares: Non-Finnish European, 0.000085%; no homozygotes.

Submissions (2):

Natera, Inc.
Classification: Likely pathogenic for Dystrophic epidermolysis bullosa. Last evaluated: 2025-09-19. Review status: criteria provided, single submitter. Criteria: Natera Variant Classification Schema (03/2026). Collection method: clinical testing. Allele origin: germline.
Comment: The c.6502-1G>A variant in COL7A1 is a canonical splice acceptor site variant predicted to affect pre-mRNA splicing, which may result in an abnormal transcript and altered protein product. This variant may result in a truncated or dysfunctional protein product. This variant is rare in the general population with a frequency below the threshold expected for the associated phenotype(s). Another variant at this same site results in an alteration predicted to cause a similar molecular effect has been observed in individual(s) with the associated phenotype. Given the available evidence, this variant is classified as Likely Pathogenic.

Mendelics
Classification: Likely pathogenic for Transient bullous dermolysis of the newborn. Last evaluated: 2022-05-04. Review status: criteria provided, single submitter. Criteria: Mendelics Assertion Criteria 2019. Collection method: clinical testing. Allele origin: germline.

NM_000094.4(COL7A1):c.6502-1G>A

Gene: COL7A1 (collagen type VII alpha 1 chain; minus strand). Cytogenetic location: 3p21.31.
Variant type: single nucleotide variant.
Coding change: c.6502-1G>A on transcript NM_000094.4 (MANE Select); the canonical splice acceptor site of the intron before coding-DNA position 6502, G replaced by A.
Molecular consequence: splice acceptor variant.
Genome position (GRCh38, 1-based): chr3:48,573,891, C>T on the plus strand (G>A on the coding strand, the complement: COL7A1 is on the minus strand). VCF-style: chr3-48573891-C-T. GRCh37 (hg19) VCF-style: chr3-48611324-C-T.
Other names: c.6502-1G>A (NM_000094.3).
Identifiers: ClinVar variation 1685281 (VCV001685281.2), dbSNP rs2107665131, ClinGen allele CA352657596.
Genomic context (GRCh38, chr3:48,573,891, plus strand): 5'-AGGTGAAGGTTCTTGGGTACTCACCACTGGGCCAGGGGGGCCTCTTGGACCCTGCAGACC[C>T]TACATAGAGAGGGCACTGATGAGCCTCAATCTGGGCCTCACTTGGGCCTGTTCCCAACCT-3'